The following is an entry in ClinVar:

NM_001876.4(CPT1A):c.1858del (p.Val620fs)

Gene: CPT1A (carnitine palmitoyltransferase 1A; minus strand). Cytogenetic location: 11q13.3.
Variant type: Deletion.
Coding change: c.1858del on transcript NM_001876.4 (MANE Select); coding-DNA position 1858, one base deleted (G; older notation c.1858delG).
Protein change: p.Val620fs; shifts the reading frame from valine 620.
Molecular consequence: frameshift variant.
Genome position (GRCh38, 1-based): chr11:68,762,644, C deleted on the plus strand (G on the coding strand, the reverse complement: CPT1A is on the minus strand); the first of 2 consecutive C bases (chr11:68,762,644-68,762,645); deleting either gives the same sequence. VCF-style (leftmost placement, unchanged base first): chr11-68762643-AC-A. GRCh37 (hg19) VCF-style: chr11-68530111-AC-A.
Other names: c.1858del, p.Val620fs (NM_001031847.3); short protein forms V620fs.
Identifiers: ClinVar variation 1725052 (VCV001725052.2), dbSNP rs2495517669, ClinGen allele CA2580084754.
Genomic context (GRCh38, chr11:68,762,643, plus strand): 5'-AAGTGTGACAAGCACGTTGTGTCCTCAGCCTGATGGCACATTACCGTCTGGGCCGGGTCC[AC>A]CATGGCCCGCACGAAGTCGCATGACTCAGTGGTGCAGGAGCGCACGGTCTCCGTCCTCCC-3'

ClinVar aggregate classification (germline): Likely pathogenic (1 of 4 stars; one submission).

Conditions:
Carnitine palmitoyl transferase 1A deficiency. Also called: CPT I DEFICIENCY; CPT DEFICIENCY, HEPATIC, TYPE I; Carnitine palmitoyltransferase type I deficiency; CPT deficiency, hepatic, type IA; Carnitine palmitoyltransferase 1A deficiency. Identifiers: Orphanet 156, MedGen C1829703, MONDO:0009705, OMIM 255120.

Submission:

Myriad Genetics, Inc.
Classification: Likely pathogenic for Carnitine palmitoyl transferase 1A deficiency. Last evaluated: 2021-11-29. Review status: criteria provided, single submitter. Criteria: Myriad Women's Health Autosomal Recessive and X-Linked Classification Criteria (2021). Collection method: clinical testing. Allele origin: unknown.
Comment: NM_001876.3(CPT1A):c.1858delG(V620Wfs*11) is expected to be pathogenic in the context of carnitine palmitoyltransferase IA deficiency. This variant is predicted to lead to an abnormal or absent protein product due to the creation of a premature termination codon in CPT1A, a gene where loss-of-function variants are known to be pathogenic. Please note: this variant was assessed in the context of healthy population screening.